The following is an entry in ClinVar:

ClinVar aggregate classification (germline): Uncertain significance (1 of 4 stars; one submission).

Conditions:
Hypohidrotic X-linked ectodermal dysplasia (XHED). Also called: Anhidrotic ectodermal dysplasia X-linked; Christ Siemens Touraine syndrome; ECTODERMAL DYSPLASIA 1, HYPOHIDROTIC, X-LINKED; ECTODERMAL DYSPLASIA 1, HYPOHIDROTIC/HAIR/TOOTH TYPE, X-LINKED; ECTODERMAL DYSPLASIA 1; Christ-Siemans-Touraine syndrome. Identifiers: Orphanet 181, Orphanet 238468, MedGen C0162359, MONDO:0010585, OMIM 305100.

Submission:

Labcorp Genetics (formerly Invitae), Labcorp
Classification: Uncertain significance for Hypohidrotic X-linked ectodermal dysplasia. Last evaluated: 2019-12-05. Review status: criteria provided, single submitter. Criteria: Invitae Variant Classification Sherloc (09022015). Collection method: clinical testing. Allele origin: germline.
Comment: This sequence change falls in intron 1 of the EDA gene. It does not directly change the encoded amino acid sequence of the EDA protein, but it affects a nucleotide within the consensus splice site of the intron. This variant is not present in population databases (ExAC no frequency). This variant has been observed in individual(s) with clinical features of ectodermal dysplasia (Invitae). Nucleotide substitutions within the consensus splice site are a relatively common cause of aberrant splicing (PMID: 17576681, 9536098). Algorithms developed to predict the effect of sequence changes on RNA splicing suggest that this variant may disrupt the consensus splice site, but this prediction has not been confirmed by published transcriptional studies. In summary, the available evidence is currently insufficient to determine the role of this variant in disease. Therefore, it has been classified as a Variant of Uncertain Significance.

NM_001399.5(EDA):c.396+5G>C

Gene: EDA (ectodysplasin A; plus strand). Cytogenetic location: Xq13.1.
Variant type: single nucleotide variant.
Coding change: c.396+5G>C on transcript NM_001399.5 (MANE Select); 5 bases into the intron after coding-DNA position 396, G replaced by C.
Molecular consequence: intron variant.
Genome position (GRCh38, 1-based): chrX:69,616,709, G>C. VCF-style: chrX-69616709-G-C. GRCh37 (hg19) VCF-style: chrX-68836553-G-C.
Other names: c.396+5G>C (NM_001005609.2, NM_001005612.3, NM_001005613.4 and 1 more transcripts).
Identifiers: ClinVar variation 853993 (VCV000853993.1), dbSNP rs1931970978, ClinGen allele CA413447703.